The following is an entry in ClinVar:

NM_001433705.1(NLRP5):c.1956A>G (p.Ala652=)

Gene: NLRP5 (NLR family pyrin domain containing 5; plus strand). Cytogenetic location: 19q13.43.
Variant type: single nucleotide variant.
Coding change: c.1956A>G on transcript NM_001433705.1 (MANE Select); coding-DNA position 1956, A replaced by G.
Protein change: p.Ala652=; no amino-acid change (alanine 652 retained).
Molecular consequence: synonymous variant.
Genome position (GRCh38, 1-based): chr19:56,028,342, A>G. VCF-style: chr19-56028342-A-G. GRCh37 (hg19) VCF-style: chr19-56539708-A-G.
Other names: NM_153447.4:c.2109A>G.
Identifiers: ClinVar variation 746466 (VCV000746466.28), dbSNP rs371164644, ClinGen allele CA9685761.

ClinVar aggregate classification (germline): Likely benign. Review status: criteria provided, multiple submitters, no conflicts (2 of 4 stars). 4 submissions from 4 submitters: Likely benign (4). Last evaluated 2024-11-01.

Allele frequency attached by ClinVar (database versions not stated): gnomAD exomes 0.00003 and 0.00004; ExAC 0.00005; gnomAD 0.00007 and 0.00008; ESP Exome Variant Server 0.00008; TOPMed 0.00009.
gnomAD v4.1: 55 of 1,613,880 alleles (0.0034%); highest among the groups gnomAD compares: Middle Eastern, 0.049%; no homozygotes.

Submissions (4):

Blueprint Genetics
Classification: Likely benign. Last evaluated: 2024-11-01. Review status: criteria provided, single submitter. Criteria: ACMG Guidelines, 2015. Collection method: clinical testing. Allele origin: germline.

CeGaT Center for Human Genetics Tuebingen
Classification: Likely benign. Last evaluated: 2024-06-01. Review status: criteria provided, single submitter. Criteria: CeGaT Center For Human Genetics Tuebingen Variant Classification Criteria Version 2. Collection method: clinical testing. Allele origin: germline. Affected: yes. Observed: 2 variant alleles.
Comment: NLRP5: BP4, BP7

Labcorp Genetics (formerly Invitae), Labcorp
Classification: Likely benign. Last evaluated: 2018-04-03. Review status: criteria provided, single submitter. Criteria: Invitae Variant Classification Sherloc (09022015). Collection method: clinical testing. Allele origin: germline.

Breakthrough Genomics
Classification: Likely benign. Review status: criteria provided, single submitter. Criteria: ACMG Guidelines, 2015. Collection method: not provided. Allele origin: germline. Inheritance: Unknown mechanism. Affected: yes.